The following is an entry in ClinVar:

NM_206933.4(USH2A):c.2888G>A (p.Cys963Tyr)

Genes: USH2A (usherin; minus strand), USH2A-AS1 (USH2A antisense RNA 1; plus strand). Cytogenetic location: 1q41.
Variant type: single nucleotide variant.
Coding change: c.2888G>A on transcript NM_206933.4 (MANE Select); coding-DNA position 2888, G replaced by A.
Protein change: p.Cys963Tyr; replaces cysteine 963 with tyrosine.
Molecular consequence: missense variant.
Genome position (GRCh38, 1-based): chr1:216,232,058, C>T on the plus strand (G>A on the coding strand, the complement: USH2A is on the minus strand). VCF-style: chr1-216232058-C-T. GRCh37 (hg19) VCF-style: chr1-216405400-C-T.
Other names: c.2888G>A, p.Cys963Tyr (NM_007123.6); short protein forms C963Y.
Identifiers: ClinVar variation 2166092 (VCV002166092.1), dbSNP rs746196862, ClinGen allele CA1396132.

ClinVar aggregate classification (germline): Uncertain significance (1 of 4 stars; one submission).

gnomAD v4.1: 3 of 1,613,952 alleles (0.00019%); highest among the groups gnomAD compares: African/African-American, 0.0027%; no homozygotes.

Submission:

Labcorp Genetics (formerly Invitae), Labcorp
Classification: Uncertain significance. Last evaluated: 2022-03-13. Review status: criteria provided, single submitter. Criteria: Invitae Variant Classification Sherloc (09022015). Collection method: clinical testing. Allele origin: germline.
Comment: This sequence change replaces cysteine, which is neutral and slightly polar, with tyrosine, which is neutral and polar, at codon 963 of the USH2A protein (p.Cys963Tyr). This variant is present in population databases (rs746196862, gnomAD 0.007%). This variant has not been reported in the literature in individuals affected with USH2A-related conditions. Algorithms developed to predict the effect of missense changes on protein structure and function (SIFT, PolyPhen-2, Align-GVGD) all suggest that this variant is likely to be disruptive. In summary, the available evidence is currently insufficient to determine the role of this variant in disease. Therefore, it has been classified as a Variant of Uncertain Significance.